The following is an entry in ClinVar:

NM_006929.5(SKIC2):c.1645C>T (p.Gln549Ter)

Gene: SKIC2 (SKI2 subunit of superkiller complex; plus strand). Cytogenetic location: 6p21.33.
Variant type: single nucleotide variant.
Coding change: c.1645C>T on transcript NM_006929.5 (MANE Select); coding-DNA position 1645, C replaced by T.
Protein change: p.Gln549Ter; replaces glutamine 549 with a stop codon.
Molecular consequence: nonsense.
Genome position (GRCh38, 1-based): chr6:31,963,731, C>T. VCF-style: chr6-31963731-C-T. GRCh37 (hg19) VCF-style: chr6-31931508-C-T.
Other names: short protein forms Q549*.
Identifiers: ClinVar variation 1417028 (VCV001417028.6), dbSNP rs2151809774, ClinGen allele CA363459738.

ClinVar aggregate classification (germline): Pathogenic (1 of 4 stars; one submission).

gnomAD v4.1: 2 of 1,542,220 alleles (0.00013%); highest among the groups gnomAD compares: East Asian, 0.0023%; no homozygotes.

Submission:

Labcorp Genetics (formerly Invitae), Labcorp
Classification: Pathogenic. Last evaluated: 2024-07-03. Review status: criteria provided, single submitter. Criteria: Invitae Variant Classification Sherloc (09022015). Collection method: clinical testing. Allele origin: germline.
Comment: This sequence change creates a premature translational stop signal (p.Gln549*) in the SKIV2L gene. It is expected to result in an absent or disrupted protein product. Loss-of-function variants in SKIV2L are known to be pathogenic (PMID: 22444670). This variant is not present in population databases (gnomAD no frequency). This variant has not been reported in the literature in individuals affected with SKIV2L-related conditions. ClinVar contains an entry for this variant (Variation ID: 1417028). For these reasons, this variant has been classified as Pathogenic.

Literature cited by the submitters: PubMed 22444670.